The following is an entry in ClinVar:

NM_001374736.1(DST):c.16895C>T (p.Pro5632Leu)

Gene: DST (dystonin; minus strand). Cytogenetic location: 6p12.1.
Variant type: single nucleotide variant.
Coding change: c.16895C>T on transcript NM_001374736.1 (MANE Select); coding-DNA position 16895, C replaced by T.
Protein change: p.Pro5632Leu; replaces proline 5632 with leucine.
Molecular consequence: missense variant.
Genome position (GRCh38, 1-based): chr6:56,535,168, G>A on the plus strand (C>T on the coding strand, the complement: DST is on the minus strand). VCF-style: chr6-56535168-G-A. GRCh37 (hg19) VCF-style: chr6-56399966-G-A.
Other names: p.Pro3009Leu; c.10538C>T, p.Pro3513Leu (NM_001144769.5); c.10124C>T, p.Pro3375Leu (NM_001144770.2); c.16895C>T, p.Pro5632Leu (NM_001374722.1); c.16262C>T, p.Pro5421Leu (NM_001374729.1); c.10004C>T, p.Pro3335Leu (NM_001374730.1, NM_001386100.1, NM_183380.4); c.16922C>T, p.Pro5641Leu (NM_001374734.1); c.9026C>T, p.Pro3009Leu (NM_015548.5); short protein forms P3513L, P5641L, P3335L, P5632L, P3009L, P3375L, P5421L.
Identifiers: ClinVar variation 1043273 (VCV001043273.7), dbSNP rs1178200177, ClinGen allele CA364510723.

ClinVar aggregate classification (germline): Uncertain significance. Review status: criteria provided, multiple submitters, no conflicts (2 of 4 stars). 2 submissions from 2 submitters: Uncertain significance (2). Last evaluated 2024-07-01.

Conditions:
Epidermolysis bullosa simplex 3, localized or generalized intermediate, with BP230 deficiency (EBS3). Also called: Epidermolysis bullosa simplex, autosomal recessive 2; Epidermolysis bullosa simplex due to BP230 deficiency. Identifiers: Orphanet 412181, MedGen C3809470, MONDO:0014180, OMIM 615425.
Hereditary sensory and autonomic neuropathy type 6. Also called: Neuropathy, hereditary sensory and autonomic, type VI; HSAN VI. Identifiers: Orphanet 314381, MedGen C3539003, MONDO:0013839, OMIM 614653.

Allele frequency attached by ClinVar (database versions not stated): TOPMed 0.00002.
gnomAD v4.1: 8 of 1,613,606 alleles (0.0005%); highest among the groups gnomAD compares: Non-Finnish European, 0.00059%; no homozygotes.

Submissions (2):

Mayo Clinic Laboratories, Mayo Clinic
Classification: Uncertain significance. Last evaluated: 2024-07-01. Review status: criteria provided, single submitter. Criteria: ACMG Guidelines, 2015. Collection method: clinical testing. Allele origin: germline. Observed: 1 variant allele.

Labcorp Genetics (formerly Invitae), Labcorp
Classification: Uncertain significance for Epidermolysis bullosa simplex 3, localized or generalized intermediate, with BP230 deficiency; Hereditary sensory and autonomic neuropathy type 6. Last evaluated: 2022-07-15. Review status: criteria provided, single submitter. Criteria: Invitae Variant Classification Sherloc (09022015). Collection method: clinical testing. Allele origin: germline.
Comment: The DST gene has multiple clinically relevant transcripts. This variant occurs in alternate transcript NM_015548.4, and corresponds to NM_001723.5:c.*80349C>T in the primary transcript. This sequence change replaces proline, which is neutral and non-polar, with leucine, which is neutral and non-polar, at codon 3009 of the DST protein (p.Pro3009Leu). This variant is not present in population databases (gnomAD no frequency). This variant has not been reported in the literature in individuals affected with DST-related conditions. Experimental studies and prediction algorithms are not available or were not evaluated, and the functional significance of this variant is currently unknown. In summary, the available evidence is currently insufficient to determine the role of this variant in disease. Therefore, it has been classified as a Variant of Uncertain Significance.